The following is an entry in ClinVar:

ClinVar aggregate classification (germline): Benign. Review status: criteria provided, multiple submitters, no conflicts (2 of 4 stars). 8 submissions from 8 submitters: Benign (6). 2 of the submissions do not count toward it. Last evaluated 2026-02-04.

Conditions:
Neuromuscular disease caused by qualitative or quantitative defects of dysferlin. Also called: Dysferlinopathy; Qualitative or quantitative defects of dysferlin. Identifiers: Orphanet 207073, MedGen C2931687, MONDO:0016145.

Allele frequency attached by ClinVar (database versions not stated): 1000 Genomes Project 30x 0.01827; 1000 Genomes Project 0.01837; ESP Exome Variant Server 0.02135; TOPMed 0.02659; gnomAD 0.03446.
gnomAD v4.1: 52,744 of 1,473,706 alleles (3.6%); highest among the groups gnomAD compares: Non-Finnish European, 3.9%; 1,126 homozygotes.

Submissions (8):

Labcorp Genetics (formerly Invitae), Labcorp
Classification: Benign for Neuromuscular disease caused by qualitative or quantitative defects of dysferlin. Last evaluated: 2026-02-04. Review status: criteria provided, single submitter. Criteria: Invitae Variant Classification Sherloc (09022015). Collection method: clinical testing. Allele origin: germline.

Blueprint Genetics
Classification: Benign. Last evaluated: 2024-11-26. Review status: criteria provided, single submitter. Criteria: ACMG Guidelines, 2015. Collection method: clinical testing. Allele origin: germline.

GeneDx
Classification: Benign. Last evaluated: 2016-02-10. Review status: criteria provided, single submitter. Criteria: GeneDx Variant Classification (06012015). Collection method: clinical testing. Allele origin: germline. Affected: yes.
Comment: This variant is considered likely benign or benign based on one or more of the following criteria: it is a conservative change, it occurs at a poorly conserved position in the protein, it is predicted to be benign by multiple in silico algorithms, and/or has population frequency not consistent with disease.

PreventionGenetics, part of Exact Sciences
Classification: Benign. Last evaluated: 2016-01-21. Review status: criteria provided, single submitter. Criteria: ACMG Guidelines, 2015. Collection method: clinical testing. Allele origin: germline.

Eurofins Ntd Llc (ga)
Classification: Benign. Last evaluated: 2015-04-24. Review status: criteria provided, single submitter. Criteria: EGL Classification Definitions 2015. Collection method: clinical testing. Allele origin: germline. Observed: 9 variant alleles, 8 heterozygotes, 1 homozygote.

Breakthrough Genomics
Classification: Benign. Review status: criteria provided, single submitter. Criteria: ACMG Guidelines, 2015. Collection method: not provided. Allele origin: germline. Inheritance: Autosomal recessive inheritance. Affected: yes.

Clinical Genetics, Academic Medical Center
Classification: Likely benign. Review status: no assertion criteria provided. Collection method: clinical testing. Allele origin: germline. Affected: yes. Study: VKGL Data-share Consensus. Not counted in ClinVar's aggregate classification.

Laboratory of Diagnostic Genome Analysis, Leiden University Medical Center (LUMC)
Classification: Benign. Review status: no assertion criteria provided. Collection method: clinical testing. Allele origin: germline. Affected: yes. Study: VKGL Data-share Consensus. Not counted in ClinVar's aggregate classification.

NM_001130987.2(DYSF):c.460+17G>C

Gene: DYSF (dysferlin; plus strand). Cytogenetic location: 2p13.2.
Variant type: single nucleotide variant.
Coding change: c.460+17G>C on transcript NM_001130987.2 (MANE Select); 17 bases into the intron after coding-DNA position 460, G replaced by C.
Molecular consequence: intron variant.
Genome position (GRCh38, 1-based): chr2:71,511,938, G>C. VCF-style: chr2-71511938-G-C. GRCh37 (hg19) VCF-style: chr2-71739068-G-C.
Other names: c.457+17G>C (NM_001130979.2, NM_001130981.2, NM_001130980.2 and 4 more transcripts); c.460+17G>C (NM_001130982.2, NM_001130985.2, NM_001130983.2 and 3 more transcripts).
Identifiers: ClinVar variation 94326 (VCV000094326.18), dbSNP rs115170960, ClinGen allele CA147763.